The following is an entry in ClinVar:

ClinVar aggregate classification (germline): Uncertain significance (1 of 4 stars; one submission).

Conditions:
Aortic aneurysm, familial thoracic 8 (AAT8). Identifiers: MedGen C3809513, MONDO:0014187, OMIM 615436.

Allele frequency attached by ClinVar (database versions not stated): TOPMed below 0.00001; gnomAD exomes 0.00001.
gnomAD v4.1: 10 of 1,613,338 alleles (0.00062%); highest among the groups gnomAD compares: Non-Finnish European, 0.00085%; no homozygotes.

Submission:

Labcorp Genetics (formerly Invitae), Labcorp
Classification: Uncertain significance for Aortic aneurysm, familial thoracic 8. Last evaluated: 2025-12-16. Review status: criteria provided, single submitter. Criteria: Invitae Variant Classification Sherloc (09022015). Collection method: clinical testing. Allele origin: germline.
Comment: This sequence change affects codon 280 of the PRKG1 mRNA. It is a 'silent' change, meaning that it does not change the encoded amino acid sequence of the PRKG1 protein. This variant also falls at the last nucleotide of exon 6, which is part of the consensus splice site for this exon. This variant is not present in population databases (gnomAD no frequency). This variant has not been reported in the literature in individuals affected with PRKG1-related conditions. ClinVar contains an entry for this variant (Variation ID: 2721472). Variants that disrupt the consensus splice site are a relatively common cause of aberrant splicing (PMID: 17576681, 9536098). Algorithms developed to predict the effect of sequence changes on RNA splicing suggest that this variant may disrupt the consensus splice site. In summary, the available evidence is currently insufficient to determine the role of this variant in disease. Therefore, it has been classified as a Variant of Uncertain Significance.

Literature cited by the submitters: PubMed 17576681; PubMed 9536098.

NM_006258.4(PRKG1):c.840G>A (p.Thr280=)

Gene: PRKG1 (protein kinase cGMP-dependent 1; plus strand). Cytogenetic location: 10q21.1.
Variant type: single nucleotide variant.
Coding change: c.840G>A on transcript NM_006258.4 (MANE Select); coding-DNA position 840, G replaced by A.
Protein change: p.Thr280=; no amino-acid change (threonine 280 retained).
Molecular consequence: synonymous variant. On other transcripts: 5 prime UTR variant (1).
Genome position (GRCh38, 1-based): chr10:52,054,561, G>A. VCF-style: chr10-52054561-G-A. GRCh37 (hg19) VCF-style: chr10-53814321-G-A.
Other names: c.795G>A, p.Thr265= (NM_001098512.3); c.-370G>A (NM_001374781.1); c.840G>A, p.Thr280= (NM_001374782.1).
Identifiers: ClinVar variation 2721472 (VCV002721472.2), dbSNP rs748336736, ClinGen allele CA207375929.